The following is an entry in ClinVar:

ClinVar aggregate classification (germline): Conflicting classifications of pathogenicity. Review status: criteria provided, conflicting classifications (1 of 4 stars). 4 submissions from 4 submitters: Uncertain significance (2); Benign (1). 1 of the submissions does not count toward it. Last evaluated 2025-12-15.

Conditions:
Inborn genetic diseases. Identifiers: MedGen C0950123, MeSH D030342.
Nemaline myopathy 2 (NEM2). Also called: Nemaline myopathy 2, autosomal recessive. Identifiers: MedGen C1850569, MONDO:0009725, OMIM 256030.

Allele frequency attached by ClinVar (database versions not stated): gnomAD exomes 0.00001 and 0.00004; ExAC 0.00006; gnomAD 0.00015; ESP Exome Variant Server 0.00017; 1000 Genomes Project 0.00060; 1000 Genomes Project 30x 0.00062; TOPMed 0.00012.
gnomAD v4.1: 43 of 1,613,234 alleles (0.0027%); highest among the groups gnomAD compares: African/African-American, 0.053%; no homozygotes.

Submissions (4):

Labcorp Genetics (formerly Invitae), Labcorp
Classification: Benign for Nemaline myopathy 2. Last evaluated: 2025-12-15. Review status: criteria provided, single submitter. Criteria: Invitae Variant Classification Sherloc (09022015). Collection method: clinical testing. Allele origin: germline.

Ambry Genetics
Classification: Uncertain significance for Inborn genetic diseases. Last evaluated: 2024-12-11. Review status: criteria provided, single submitter. Criteria: Ambry Variant Classification Scheme 2023. Collection method: clinical testing. Allele origin: germline.

GeneDx
Classification: Uncertain significance. Last evaluated: 2022-03-15. Review status: criteria provided, single submitter. Criteria: GeneDx Variant Classification Process June 2021. Collection method: clinical testing. Allele origin: germline. Affected: yes.
Comment: In silico analysis supports that this missense variant does not alter protein structure/function; Has not been previously published as pathogenic or benign to our knowledge

Natera, Inc.
Classification: Uncertain significance for Nemaline myopathy type 2. Last evaluated: 2019-11-11. Review status: no assertion criteria provided. Collection method: clinical testing. Allele origin: germline. Not counted in ClinVar's aggregate classification.

NM_001164508.2(NEB):c.20941G>A (p.Val6981Met)

Gene: NEB (nebulin; minus strand). Cytogenetic location: 2q23.3.
Variant type: single nucleotide variant.
Coding change: c.20941G>A on transcript NM_001164508.2 (MANE Select); coding-DNA position 20941, G replaced by A.
Protein change: p.Val6981Met; replaces valine 6981 with methionine.
Molecular consequence: missense variant.
Genome position (GRCh38, 1-based): chr2:151,538,196, C>T on the plus strand (G>A on the coding strand, the complement: NEB is on the minus strand). VCF-style: chr2-151538196-C-T. GRCh37 (hg19) VCF-style: chr2-152394710-C-T.
Other names: c.20941G>A, p.Val6981Met (NM_001164507.2, NM_001271208.2); c.15838G>A, p.Val5280Met (NM_004543.5); c.15838G>A (NM_004543.4); short protein forms V6981M, V5280M.
Identifiers: ClinVar variation 579891 (VCV000579891.12), dbSNP rs374961597, ClinGen allele CA1907126.